The following is an entry in ClinVar:

ClinVar aggregate classification (germline): Conflicting classifications of pathogenicity. Review status: criteria provided, conflicting classifications (1 of 4 stars). 6 submissions from 6 submitters: Uncertain significance (2); Likely benign (2). 2 of the submissions do not count toward it. Last evaluated 2026-01-13.

Conditions:
TCIRG1-related disorder. Also called: TCIRG1-related condition.
Autosomal recessive osteopetrosis 1. Also called: TCIRG1-Related Osteopetrosis; TCIRG1-Related Autosomal Recessive Osteopetrosis; ALBERS-SCHONBERG DISEASE, AUTOSOMAL RECESSIVE. Identifiers: Orphanet 667, MedGen C1850127, MONDO:0009815, OMIM 259700.

Allele frequency attached by ClinVar (database versions not stated): TOPMed 0.00005; gnomAD exomes 0.00006 and 0.00010; gnomAD 0.00007; ExAC 0.00008; ESP Exome Variant Server 0.00023.
gnomAD v4.1: 163 of 1,613,606 alleles (0.01%); highest among the groups gnomAD compares: Middle Eastern, 0.099%; no homozygotes.

Submissions (6):

Labcorp Genetics (formerly Invitae), Labcorp
Classification: Likely benign. Last evaluated: 2026-01-13. Review status: criteria provided, single submitter. Criteria: Invitae Variant Classification Sherloc (09022015). Collection method: clinical testing. Allele origin: germline.

Blueprint Genetics
Classification: Likely benign. Last evaluated: 2022-08-04. Review status: criteria provided, single submitter. Criteria: ACMG Guidelines, 2015. Collection method: clinical testing. Allele origin: germline.

Illumina Laboratory Services, Illumina
Classification: Uncertain significance for Autosomal recessive osteopetrosis 1. Last evaluated: 2018-01-13. Review status: criteria provided, single submitter. Criteria: ICSL Variant Classification Criteria 13 December 2019. Collection method: clinical testing. Allele origin: germline.

Eurofins Ntd Llc (ga)
Classification: Uncertain significance. Last evaluated: 2017-01-24. Review status: criteria provided, single submitter. Criteria: EGL Classification Definitions 2015. Collection method: clinical testing. Allele origin: germline. Observed: 2 variant alleles, 2 heterozygotes.

PreventionGenetics, part of Exact Sciences
Classification: Likely benign for TCIRG1-related condition. Last evaluated: 2023-09-08. Review status: no assertion criteria provided. Collection method: clinical testing. Allele origin: germline. Not counted in ClinVar's aggregate classification.
Comment: This variant is classified as likely benign based on ACMG/AMP sequence variant interpretation guidelines (Richards et al. 2015 PMID: 25741868, with internal and published modifications).

Natera, Inc.
Classification: Likely benign for Infantile malignant osteopetrosis. Last evaluated: 2020-04-15. Review status: no assertion criteria provided. Collection method: clinical testing. Allele origin: germline. Not counted in ClinVar's aggregate classification.

NM_006019.4(TCIRG1):c.1278A>G (p.Arg426=)

Gene: TCIRG1 (T cell immune regulator 1, ATPase H+ transporting V0 subunit a3; plus strand). Cytogenetic location: 11q13.2.
Variant type: single nucleotide variant.
Coding change: c.1278A>G on transcript NM_006019.4 (MANE Select); coding-DNA position 1278, A replaced by G.
Protein change: p.Arg426=; no amino-acid change (arginine 426 retained).
Molecular consequence: synonymous variant.
Genome position (GRCh38, 1-based): chr11:68,047,545, A>G. VCF-style: chr11-68047545-A-G. GRCh37 (hg19) VCF-style: chr11-67815012-A-G.
Other names: c.384A>G, p.Arg128= (NM_001351059.2); c.630A>G, p.Arg210= (NM_006053.4).
Identifiers: ClinVar variation 305802 (VCV000305802.24), dbSNP rs138527421, ClinGen allele CA6147038.
Genomic context (GRCh38, chr11:68,047,545, plus strand): 5'-TGTGGGCCACGGGCTGCTCATGTTCCTGTTCGCCCTGGCCATGGTCCTTGCGGAGAACCG[A>G]CCGGCTGTGAAGGCCGCGCAGAACGAGGTGAGGGGCGGGGCTGGGGTCCTGATGAGGGTA-3'
Protein context (NP_006010.2, residues 416-436): FALAMVLAEN[Arg426=]PAVKAAQNEI